The following is an entry in ClinVar:

NM_001257180.2(SLC20A2):c.1222T>G (p.Ser408Ala)

Gene: SLC20A2 (solute carrier family 20 member 2; minus strand). Cytogenetic location: 8p11.21.
Variant type: single nucleotide variant.
Coding change: c.1222T>G on transcript NM_001257180.2 (MANE Select); coding-DNA position 1222, T replaced by G.
Protein change: p.Ser408Ala; replaces serine 408 with alanine.
Molecular consequence: missense variant.
Genome position (GRCh38, 1-based): chr8:42,437,290, A>C on the plus strand (T>G on the coding strand, the complement: SLC20A2 is on the minus strand). VCF-style: chr8-42437290-A-C. GRCh37 (hg19) VCF-style: chr8-42294808-A-C.
Other names: c.1222T>G, p.Ser408Ala (NM_001257181.2, NM_006749.5); short protein forms S408A.
Identifiers: ClinVar variation 5029606 (VCV005029606.1).
Genomic context (GRCh38, chr8:42,437,290, plus strand): 5'-GCCTCTTCTTGGAGTAGGACACGGTGTCGCCCACCAGCTTCTCACTGTCCTCTGGGGCCG[A>C]TGAGTCCGCAGCTCGAAAGGTGGCGTGCACTGGCAGCCCACAAATGGCTGCGGTGTAGCA-3'
Protein context (NP_001244109.1, residues 398-418): VHATFRAADS[Ser408Ala]APEDSEKLVG

ClinVar aggregate classification (germline): Uncertain significance (1 of 4 stars; one submission).

Conditions:
Inborn genetic diseases. Identifiers: MedGen C0950123, MeSH D030342.

gnomAD v4.1: 1 of 1,614,016 alleles (0.000062%); highest among the groups gnomAD compares: Non-Finnish European, 0.000085%; no homozygotes.

Submission:

Ambry Genetics
Classification: Uncertain significance for Inborn genetic diseases. Last evaluated: 2026-08-04. Review status: criteria provided, single submitter. Criteria: Ambry Variant Classification Scheme 2023. Collection method: clinical testing. Allele origin: germline.
Comment: The c.1222T>G (p.S408A) alteration is located in exon 8 (coding exon 7) of the SLC20A2 gene. This alteration results from a T to G substitution at nucleotide position 1222, causing the serine (S) at amino acid position 408 to be replaced by an alanine (A). Based on data from gnomAD, the G allele has an overall frequency of <0.001% (1/251150) total alleles studied. The highest observed frequency was 0.001% (1/113472) of European (non-Finnish) alleles. Based on insufficient or conflicting evidence, the clinical significance of this alteration remains unclear.